The following is an entry in ClinVar:

NM_005045.4(RELN):c.5965G>A (p.Ala1989Thr)

Gene: RELN (reelin; minus strand). Cytogenetic location: 7q22.1.
Variant type: single nucleotide variant.
Coding change: c.5965G>A on transcript NM_005045.4 (MANE Select); coding-DNA position 5965, G replaced by A.
Protein change: p.Ala1989Thr; replaces alanine 1989 with threonine.
Molecular consequence: missense variant.
Genome position (GRCh38, 1-based): chr7:103,553,664, C>T on the plus strand (G>A on the coding strand, the complement: RELN is on the minus strand). VCF-style: chr7-103553664-C-T. GRCh37 (hg19) VCF-style: chr7-103194111-C-T.
Other names: c.5965G>A, p.Ala1989Thr (NM_173054.3); short protein forms A1989T.
Identifiers: ClinVar variation 1406472 (VCV001406472.9), dbSNP rs1233107226, ClinGen allele CA368739590.

ClinVar aggregate classification (germline): Uncertain significance (1 of 4 stars; one submission).

Conditions:
Norman-Roberts syndrome (LIS2). Also called: Lissencephaly 2 (Norman-Roberts type). Identifiers: Orphanet 89844, MedGen C0796089, MONDO:0009760, OMIM 257320.
Familial temporal lobe epilepsy 7. Identifiers: Orphanet 101046, MedGen C4225327, MONDO:0014639, OMIM 616436.

Allele frequency attached by ClinVar (database versions not stated): gnomAD exomes below 0.00001 and 0.00001; gnomAD 0.00001.
gnomAD v4.1: 8 of 1,613,772 alleles (0.0005%); highest among the groups gnomAD compares: Non-Finnish European, 0.00068%; no homozygotes.

Submission:

Labcorp Genetics (formerly Invitae), Labcorp
Classification: Uncertain significance for Familial temporal lobe epilepsy 7; Norman-Roberts syndrome. Last evaluated: 2022-05-01. Review status: criteria provided, single submitter. Criteria: Invitae Variant Classification Sherloc (09022015). Collection method: clinical testing. Allele origin: germline.
Comment: In summary, the available evidence is currently insufficient to determine the role of this variant in disease. Therefore, it has been classified as a Variant of Uncertain Significance. Algorithms developed to predict the effect of missense changes on protein structure and function (SIFT, PolyPhen-2, Align-GVGD) all suggest that this variant is likely to be tolerated. This variant has not been reported in the literature in individuals affected with RELN-related conditions. This variant is present in population databases (no rsID available, gnomAD 0.0009%). This sequence change replaces alanine, which is neutral and non-polar, with threonine, which is neutral and polar, at codon 1989 of the RELN protein (p.Ala1989Thr).